The following is an entry in ClinVar:

ClinVar aggregate classification (germline): Pathogenic (1 of 4 stars; one submission).

Conditions:
Rhizomelic chondrodysplasia punctata (RCDP). Identifiers: Orphanet 177, MedGen C0282529, MONDO:0015776. Disease mechanism: loss of function.

Submission:

Natera, Inc.
Classification: Pathogenic for Rhizomelic Chondrodysplasia Punctata. Last evaluated: 2025-09-04. Review status: criteria provided, single submitter. Criteria: Natera Variant Classification Schema (03/2026). Collection method: clinical testing. Allele origin: germline.
Comment: The c.804-2A>G variant in PEX7 is a canonical splice acceptor site variant predicted to affect pre-mRNA splicing, which may result in an abnormal transcript and altered protein product. This variant is expected to result in nonsense mediated decay, truncation, or a dysfunctional protein product. This variant is rare in the general population with a frequency below the threshold expected for the associated phenotype(s). Another variant at this same site results in an alteration predicted to cause a similar molecular effect has been observed in individual(s) with the associated phenotype. Given the available evidence, this variant is classified as Pathogenic.

NM_000288.4(PEX7):c.804-2A>G

Gene: PEX7 (peroxisomal biogenesis factor 7; plus strand). Cytogenetic location: 6q23.3.
Variant type: single nucleotide variant.
Coding change: c.804-2A>G on transcript NM_000288.4 (MANE Select); the canonical splice acceptor site of the intron before coding-DNA position 804, A replaced by G.
Molecular consequence: splice acceptor variant.
Genome position (GRCh38, 1-based): chr6:136,898,140, A>G. VCF-style: chr6-136898140-A-G. GRCh37 (hg19) VCF-style: chr6-137219278-A-G.
Other names: c.690-2A>G (NM_001410945.1).
Identifiers: ClinVar variation 4818131 (VCV004818131.1).